The following is an entry in ClinVar:

ClinVar aggregate classification (germline): Uncertain significance (1 of 4 stars; one submission).

gnomAD v4.1: 2 of 1,585,750 alleles (0.00013%); highest among the groups gnomAD compares: Admixed American, 0.0037%; no homozygotes.

Submission:

Labcorp Genetics (formerly Invitae), Labcorp
Classification: Uncertain significance. Last evaluated: 2025-01-12. Review status: criteria provided, single submitter. Criteria: Invitae Variant Classification Sherloc (09022015). Collection method: clinical testing. Allele origin: germline.
Comment: This sequence change replaces glycine, which is neutral and non-polar, with glutamic acid, which is acidic and polar, at codon 139 of the COL4A2 protein (p.Gly139Glu). This variant is present in population databases (rs748583996, gnomAD 0.004%). This variant has not been reported in the literature in individuals affected with COL4A2-related conditions. Invitae Evidence Modeling of protein sequence and biophysical properties (such as structural, functional, and spatial information, amino acid conservation, physicochemical variation, residue mobility, and thermodynamic stability) has been performed for this missense variant. However, the output from this modeling did not meet the statistical confidence thresholds required to predict the impact of this variant on COL4A2 protein function. In summary, the available evidence is currently insufficient to determine the role of this variant in disease. Therefore, it has been classified as a Variant of Uncertain Significance.

NM_001846.4(COL4A2):c.416G>A (p.Gly139Glu)

Gene: COL4A2 (collagen type IV alpha 2 chain; plus strand). Cytogenetic location: 13q34.
Variant type: single nucleotide variant.
Coding change: c.416G>A on transcript NM_001846.4 (MANE Select); coding-DNA position 416, G replaced by A.
Protein change: p.Gly139Glu; replaces glycine 139 with glutamic acid.
Molecular consequence: missense variant.
Genome position (GRCh38, 1-based): chr13:110,428,522, G>A. VCF-style: chr13-110428522-G-A. GRCh37 (hg19) VCF-style: chr13-111080869-G-A.
Other names: short protein forms G139E.
Identifiers: ClinVar variation 3702848 (VCV003702848.2).
Genomic context (GRCh38, chr13:110,428,522, plus strand): 5'-CCCAGGGACACCCGGGGCAAGGTGGGCCCAGGGGAAGGCCGGGCTACGATGGCTGCAACG[G>A]AACCCAGGGAGACTCAGGTCCACAGGGGCCCCCCGGCTCTGAGGGGTTCACCGGGCCTCC-3'
Protein context (NP_001837.2, residues 129-149): RGRPGYDGCN[Gly139Glu]TQGDSGPQGP